The following is an entry in ClinVar:

NM_006231.4(POLE):c.802-20T>C

Gene: POLE (DNA polymerase epsilon, catalytic subunit; minus strand). Cytogenetic location: 12q24.33.
Variant type: single nucleotide variant.
Coding change: c.802-20T>C on transcript NM_006231.4 (MANE Select); 20 bases into the intron before coding-DNA position 802, T replaced by C.
Molecular consequence: intron variant.
Genome position (GRCh38, 1-based): chr12:132,676,673, A>G on the plus strand (T>C on the coding strand, the complement: POLE is on the minus strand). VCF-style: chr12-132676673-A-G. GRCh37 (hg19) VCF-style: chr12-133253259-A-G.
Identifiers: ClinVar variation 2805928 (VCV002805928.4), dbSNP rs2043061683, ClinGen allele CA2739277386.

ClinVar aggregate classification (germline): Likely benign. Review status: criteria provided, multiple submitters, no conflicts (2 of 4 stars). 2 submissions from 2 submitters: Likely benign (2). Last evaluated 2025-02-07.

Conditions:
Colorectal cancer, susceptibility to, 12 (CRCS12). Also called: COLORECTAL CANCER, SUSCEPTIBILITY TO, ON CHROMOSOME 12q24. Identifiers: Orphanet 220460, MedGen C3554460, MONDO:0014038, OMIM 615083.

Submissions (2):

Myriad Genetics, Inc.
Classification: Likely benign for Colorectal cancer, susceptibility to, 12. Last evaluated: 2025-02-07. Review status: criteria provided, single submitter. Criteria: Myriad Autosomal Dominant, Autosomal Recessive and X-Linked Classification Criteria (2023). Collection method: clinical testing. Allele origin: unknown.
Comment: This variant is considered likely benign. This variant is intronic and is not expected to impact mRNA splicing.

Labcorp Genetics (formerly Invitae), Labcorp
Classification: Likely benign. Last evaluated: 2022-12-31. Review status: criteria provided, single submitter. Criteria: Invitae Variant Classification Sherloc (09022015). Collection method: clinical testing. Allele origin: germline.